The following is an entry in ClinVar:

ClinVar aggregate classification (germline): Pathogenic (1 of 4 stars; one submission).

gnomAD v4.1: 1 of 1,613,742 alleles (0.000062%); highest among the groups gnomAD compares: Non-Finnish European, 0.000085%; no homozygotes.

Submission:

Labcorp Genetics (formerly Invitae), Labcorp
Classification: Pathogenic. Last evaluated: 2025-07-11. Review status: criteria provided, single submitter. Criteria: Invitae Variant Classification Sherloc (09022015). Collection method: clinical testing. Allele origin: germline.
Comment: This sequence change creates a premature translational stop signal (p.Arg367*) in the SMARCD2 gene. It is expected to result in an absent or disrupted protein product. Loss-of-function variants in SMARCD2 are known to be pathogenic (PMID: 28369036). This variant is not present in population databases (gnomAD no frequency). This variant has not been reported in the literature in individuals affected with SMARCD2-related conditions. For these reasons, this variant has been classified as Pathogenic.

Literature cited by the submitters: PubMed 28369036.

NM_001098426.2(SMARCD2):c.1099C>T (p.Arg367Ter)

Gene: SMARCD2 (SWI/SNF related BAF chromatin remodeling complex subunit D2; minus strand). Cytogenetic location: 17q23.3.
Variant type: single nucleotide variant.
Coding change: c.1099C>T on transcript NM_001098426.2 (MANE Select); coding-DNA position 1099, C replaced by T.
Protein change: p.Arg367Ter; replaces arginine 367 with a stop codon.
Molecular consequence: nonsense.
Genome position (GRCh38, 1-based): chr17:63,833,991, G>A on the plus strand (C>T on the coding strand, the complement: SMARCD2 is on the minus strand). VCF-style: chr17-63833991-G-A. GRCh37 (hg19) VCF-style: chr17-61911351-G-A.
Other names: c.874C>T, p.Arg292Ter (NM_001330439.1); c.955C>T, p.Arg319Ter (NM_001330440.2); short protein forms R319*, R367*, R292*.
Identifiers: ClinVar variation 4704060 (VCV004704060.1).